The following is an entry in ClinVar:

NM_031418.4(ANO3):c.2648G>A (p.Gly883Asp)

Gene: ANO3 (anoctamin 3; plus strand). Cytogenetic location: 11p14.2.
Variant type: single nucleotide variant.
Coding change: c.2648G>A on transcript NM_031418.4 (MANE Select); coding-DNA position 2648, G replaced by A.
Protein change: p.Gly883Asp; replaces glycine 883 with aspartic acid.
Molecular consequence: missense variant.
Genome position (GRCh38, 1-based): chr11:26,656,196, G>A. VCF-style: chr11-26656196-G-A. GRCh37 (hg19) VCF-style: chr11-26677743-G-A.
Other names: c.2831G>A, p.Gly944Asp (NM_001313726.2); c.2210G>A, p.Gly737Asp (NM_001313727.2); short protein forms G737D, G883D, G944D.
Identifiers: ClinVar variation 4689937 (VCV004689937.1).

ClinVar aggregate classification (germline): Uncertain significance (1 of 4 stars; one submission).

gnomAD v4.1: 2 of 1,612,720 alleles (0.00012%); highest among the groups gnomAD compares: Non-Finnish European, 0.00017%; no homozygotes.

Submission:

GeneDx
Classification: Uncertain significance. Last evaluated: 2025-07-28. Review status: criteria provided, single submitter. Criteria: GeneDx Variant Classification Process June 2021. Collection method: clinical testing. Allele origin: germline. Affected: yes.
Comment: Not observed at significant frequency in large population cohorts (gnomAD); In silico analysis suggests that this missense variant does not alter protein structure/function; Has not been previously published as pathogenic or benign to our knowledge